The following is an entry in ClinVar:

NM_145059.3(FCSK):c.1040G>A (p.Gly347Glu)

Gene: FCSK (fucose kinase; plus strand). Cytogenetic location: 16q22.1.
Variant type: single nucleotide variant.
Coding change: c.1040G>A on transcript NM_145059.3 (MANE Select); coding-DNA position 1040, G replaced by A.
Protein change: p.Gly347Glu; replaces glycine 347 with glutamic acid.
Molecular consequence: missense variant.
Genome position (GRCh38, 1-based): chr16:70,470,398, G>A. VCF-style: chr16-70470398-G-A. GRCh37 (hg19) VCF-style: chr16-70504301-G-A.
Other names: short protein forms G347E.
Identifiers: ClinVar variation 2163999 (VCV002163999.4), dbSNP rs2048573948, ClinGen allele CA396567547.

ClinVar aggregate classification (germline): Uncertain significance (1 of 4 stars; one submission).

Allele frequency attached by ClinVar (database versions not stated): gnomAD exomes below 0.00001; TOPMed below 0.00001; gnomAD 0.00001.
gnomAD v4.1: 2 of 1,612,840 alleles (0.00012%); highest among the groups gnomAD compares: Admixed American, 0.0033%; no homozygotes.

Submission:

Labcorp Genetics (formerly Invitae), Labcorp
Classification: Uncertain significance. Last evaluated: 2024-02-06. Review status: criteria provided, single submitter. Criteria: Invitae Variant Classification Sherloc (09022015). Collection method: clinical testing. Allele origin: germline.
Comment: This sequence change replaces glycine, which is neutral and non-polar, with glutamic acid, which is acidic and polar, at codon 347 of the FUK protein (p.Gly347Glu). This variant is not present in population databases (gnomAD no frequency). This variant has not been reported in the literature in individuals affected with FUK-related conditions. ClinVar contains an entry for this variant (Variation ID: 2163999). Algorithms developed to predict the effect of missense changes on protein structure and function output the following: SIFT: "Not Available"; PolyPhen-2: "Benign"; Align-GVGD: "Not Available". The glutamic acid amino acid residue is found in multiple mammalian species, which suggests that this missense change does not adversely affect protein function. In summary, the available evidence is currently insufficient to determine the role of this variant in disease. Therefore, it has been classified as a Variant of Uncertain Significance.